The following is an entry in ClinVar:

ClinVar aggregate classification (germline): Likely benign. Review status: criteria provided, multiple submitters, no conflicts (2 of 4 stars). 5 submissions from 5 submitters: Likely benign (4). 1 of the submissions does not count toward it. Last evaluated 2026-01-13.

Conditions:
EFL1-related disorder. Also called: EFL1-related condition.

Allele frequency attached by ClinVar (database versions not stated): gnomAD exomes 0.00027 and 0.00039; 1000 Genomes Project 0.00040; ExAC 0.00043; 1000 Genomes Project 30x 0.00047; ESP Exome Variant Server 0.00089; gnomAD 0.00091 and 0.00098; TOPMed 0.00100.
gnomAD v4.1: 547 of 1,613,862 alleles (0.034%); highest among the groups gnomAD compares: African/African-American, 0.26%; no homozygotes.

Submissions (5):

Labcorp Genetics (formerly Invitae), Labcorp
Classification: Likely benign. Last evaluated: 2026-01-13. Review status: criteria provided, single submitter. Criteria: Invitae Variant Classification Sherloc (09022015). Collection method: clinical testing. Allele origin: germline.

CeGaT Center for Human Genetics Tuebingen
Classification: Likely benign. Last evaluated: 2024-12-01. Review status: criteria provided, single submitter. Criteria: CeGaT Center For Human Genetics Tuebingen Variant Classification Criteria Version 2. Collection method: clinical testing. Allele origin: germline. Affected: yes. Observed: 1 variant allele.
Comment: EFL1: BP4, BP7

Blueprint Genetics
Classification: Likely benign. Last evaluated: 2024-10-11. Review status: criteria provided, single submitter. Criteria: ACMG Guidelines, 2015. Collection method: clinical testing. Allele origin: germline.

Breakthrough Genomics
Classification: Likely benign. Review status: criteria provided, single submitter. Criteria: ACMG Guidelines, 2015. Collection method: not provided. Allele origin: germline. Inheritance: Autosomal recessive inheritance. Affected: yes.

PreventionGenetics, part of Exact Sciences
Classification: Likely benign for EFL1-related condition. Last evaluated: 2024-03-08. Review status: no assertion criteria provided. Collection method: clinical testing. Allele origin: germline. Not counted in ClinVar's aggregate classification.
Comment: This variant is classified as likely benign based on ACMG/AMP sequence variant interpretation guidelines (Richards et al. 2015 PMID: 25741868, with internal and published modifications).

NM_024580.6(EFL1):c.1368A>G (p.Ala456=)

Gene: EFL1 (elongation factor like GTPase 1; minus strand). Cytogenetic location: 15q25.2.
Variant type: single nucleotide variant.
Coding change: c.1368A>G on transcript NM_024580.6 (MANE Select); coding-DNA position 1368, A replaced by G.
Protein change: p.Ala456=; no amino-acid change (alanine 456 retained).
Molecular consequence: synonymous variant. On other transcripts: non-coding transcript variant (1).
Genome position (GRCh38, 1-based): chr15:82,220,154, T>C on the plus strand (A>G on the coding strand, the complement: EFL1 is on the minus strand). VCF-style: chr15-82220154-T-C. GRCh37 (hg19) VCF-style: chr15-82512495-T-C.
Other names: c.1215A>G, p.Ala405= (NM_001040610.3); c.579A>G, p.Ala193= (NM_001322844.2); c.1368A>G, p.Ala456= (NM_001322845.2); c.1368A>G (NM_024580.5).
Identifiers: ClinVar variation 747622 (VCV000747622.28), dbSNP rs367728750, ClinGen allele CA7698002.